The following is an entry in ClinVar:

ClinVar aggregate classification (germline): Conflicting classifications of pathogenicity. Review status: criteria provided, conflicting classifications (1 of 4 stars). 8 submissions from 8 submitters: Uncertain significance (2); Benign (1); Likely benign (3). 2 of the submissions do not count toward it. Last evaluated 2026-01-20.

Conditions:
Retinitis pigmentosa (RP). Identifiers: Orphanet 791, MedGen C0035334, MeSH D012174, MONDO:0019200, OMIM 268000. Inheritance: Autosomal dominant, autosomal recessive and X linked inheritance.
Retinitis pigmentosa 1 (RP1). Identifiers: Orphanet 791, MedGen C0220701, MONDO:0008377, OMIM 180100.

Allele frequency attached by ClinVar (database versions not stated): 1000 Genomes Project 0.00020; 1000 Genomes Project 30x 0.00031; gnomAD 0.00072 and 0.00073; ESP Exome Variant Server 0.00077; gnomAD exomes 0.00083 and 0.00105; TOPMed 0.00083; ExAC 0.00099.
gnomAD v4.1: 1,385 of 1,614,144 alleles (0.086%); highest among the groups gnomAD compares: Middle Eastern, 3.4%; 8 homozygotes.

Submissions (8):

Labcorp Genetics (formerly Invitae), Labcorp
Classification: Benign. Last evaluated: 2026-01-20. Review status: criteria provided, single submitter. Criteria: Invitae Variant Classification Sherloc (09022015). Collection method: clinical testing. Allele origin: germline.

CeGaT Center for Human Genetics Tuebingen
Classification: Likely benign. Last evaluated: 2026-01-01. Review status: criteria provided, single submitter. Criteria: CeGaT Center For Human Genetics Tuebingen Variant Classification Criteria Version 2. Collection method: clinical testing. Allele origin: germline. Affected: yes. Observed: 3 variant alleles.
Comment: RP1: BP4, BP7

Blueprint Genetics
Classification: Likely benign. Last evaluated: 2024-11-20. Review status: criteria provided, single submitter. Criteria: ACMG Guidelines, 2015. Collection method: clinical testing. Allele origin: germline.

ARUP Laboratories, Molecular Genetics and Genomics, ARUP Laboratories
Classification: Likely benign for Retinitis pigmentosa 1. Last evaluated: 2018-07-31. Review status: criteria provided, single submitter. Criteria: ARUP Molecular Germline Variant Investigation Process. Collection method: clinical testing. Allele origin: germline.

Illumina Laboratory Services, Illumina
Classification: Uncertain significance for Retinitis pigmentosa. Last evaluated: 2017-06-09. Review status: criteria provided, single submitter. Criteria: ICSL Variant Classification Criteria 13 December 2019. Collection method: clinical testing. Allele origin: germline.
Comment: This variant was observed as part of a predisposition screen in an ostensibly healthy population. A literature search was performed for the gene, cDNA change, and amino acid change (where applicable). Publications were found based on this search. However, the evidence from the literature, in combination with allele frequency data from public databases where available, was not sufficient to rule this variant in or out of causing disease. Therefore, this variant is classified as a variant of unknown significance.

Eurofins Ntd Llc (ga)
Classification: Uncertain significance. Last evaluated: 2014-04-27. Review status: criteria provided, single submitter. Criteria: EGL Classification Definitions 2015. Collection method: clinical testing. Allele origin: germline. Observed: 1 variant allele, 1 heterozygote.

Clinical Genetics DNA and cytogenetics Diagnostics Lab, Erasmus MC, Erasmus Medical Center
Classification: Likely benign. Review status: no assertion criteria provided. Collection method: clinical testing. Allele origin: germline. Affected: yes. Study: VKGL Data-share Consensus. Not counted in ClinVar's aggregate classification.

Clinical Genetics, Academic Medical Center
Classification: Benign. Review status: no assertion criteria provided. Collection method: clinical testing. Allele origin: germline. Affected: yes. Study: VKGL Data-share Consensus. Not counted in ClinVar's aggregate classification.

Literature cited by the submitters: PubMed 10845615 (cited by Illumina Laboratory Services, Illumina); PubMed 11527933 (cited by Illumina Laboratory Services, Illumina).

NM_006269.2(RP1):c.228C>T (p.Leu76=)

Gene: RP1 (RP1 axonemal microtubule associated; plus strand). Cytogenetic location: 8q12.1.
Variant type: single nucleotide variant.
Coding change: c.228C>T on transcript NM_006269.2 (MANE Select); coding-DNA position 228, C replaced by T.
Protein change: p.Leu76=; no amino-acid change (leucine 76 retained).
Molecular consequence: synonymous variant.
Genome position (GRCh38, 1-based): chr8:54,621,194, C>T. VCF-style: chr8-54621194-C-T. GRCh37 (hg19) VCF-style: chr8-55533754-C-T.
Identifiers: ClinVar variation 167601 (VCV000167601.61), dbSNP rs142600056, ClinGen allele CA234799.